The following is an entry in ClinVar:

ClinVar aggregate classification (germline): Uncertain significance (1 of 4 stars; one submission).

Conditions:
Combined immunodeficiency due to ORAI1 deficiency. Also called: IMMUNODEFICIENCY 9. Identifiers: Orphanet 169090, Orphanet 317428, MedGen C2748568, MONDO:0013007, OMIM 612782.
Myopathy, tubular aggregate, 2 (TAM2). Identifiers: MedGen C4014557, MONDO:0014383, OMIM 615883.

Submission:

Labcorp Genetics (formerly Invitae), Labcorp
Classification: Uncertain significance for Myopathy, tubular aggregate, 2; Combined immunodeficiency due to ORAI1 deficiency. Last evaluated: 2025-07-13. Review status: criteria provided, single submitter. Criteria: Invitae Variant Classification Sherloc (09022015). Collection method: clinical testing. Allele origin: germline.
Comment: This sequence change replaces proline, which is neutral and non-polar, with serine, which is neutral and polar, at codon 45 of the ORAI1 protein (p.Pro45Ser). This variant is not present in population databases (gnomAD no frequency). This variant has not been reported in the literature in individuals affected with ORAI1-related conditions. Experimental studies and prediction algorithms are not available or were not evaluated, and the functional significance of this variant is currently unknown. In summary, the available evidence is currently insufficient to determine the role of this variant in disease. Therefore, it has been classified as a Variant of Uncertain Significance.

NC_000012.12:g.121626880C>T

Genes: ORAI1 (ORAI calcium release-activated calcium modulator 1; plus strand), LOC130008987 (ATAC-STARR-seq lymphoblastoid silent region 4981; plus strand). Cytogenetic location: 12q24.31.
Variant type: single nucleotide variant.
Molecular consequence: non-coding transcript variant (on NR_186857.1).
Genome position: GRCh38 VCF-style: chr12-121626880-C-T. GRCh37 (hg19) VCF-style: chr12-122064786-C-T.
Identifiers: ClinVar variation 4788454 (VCV004788454.1).